The following is an entry in ClinVar:

ClinVar aggregate classification (germline): Uncertain significance. Review status: criteria provided, multiple submitters, no conflicts (2 of 4 stars). 2 submissions from 2 submitters: Uncertain significance (2). Last evaluated 2025-07-03.

Conditions:
Epidermolysis bullosa simplex, Ogna type (EBS5A). Also called: Pidermolysis bullosa simplex 5A, Ogna type; EPIDERMOLYSIS BULLOSA SIMPLEX 5A, OGNA TYPE. Identifiers: Orphanet 79401, MedGen C0432317, MONDO:0007555, OMIM 131950.
Epidermolysis bullosa simplex 5C, with pyloric atresia (EBS5C). Also called: Epidermolysis bullosa simplex with pyloric atresia; PLEC-Related Epidermolysis Bullosa with Pyloric Atresia; PLEC1-Related Epidermolysis Bullosa with Pyloric Atresia. Identifiers: Orphanet 158684, MedGen C2677349, MONDO:0012807, OMIM 612138.
Epidermolysis bullosa simplex with nail dystrophy (EBS5D). Identifiers: MedGen C4225309, MONDO:0014661, OMIM 616487.
Epidermolysis bullosa simplex 5B, with muscular dystrophy (EBS5B). Also called: EPIDERMOLYSIS BULLOSA SIMPLEX AND LIMB-GIRDLE MUSCULAR DYSTROPHY; Epidermolysis bullosa simplex with muscular dystrophy. Identifiers: Orphanet 257, MedGen C2931072, MONDO:0009181, OMIM 226670.
Autosomal recessive limb-girdle muscular dystrophy type 2Q (LGMDR17). Also called: MUSCULAR DYSTROPHY, LIMB-GIRDLE, AUTOSOMAL RECESSIVE 17. Identifiers: Orphanet 254361, MedGen C3150989, MONDO:0013390, OMIM 613723.
Inborn genetic diseases. Identifiers: MedGen C0950123, MeSH D030342.

Allele frequency attached by ClinVar (database versions not stated): TOPMed 0.00003; gnomAD 0.00004; gnomAD exomes 0.00005 and 0.00011; ExAC 0.00006; ESP Exome Variant Server 0.00008.
gnomAD v4.1: 69 of 1,599,302 alleles (0.0043%); highest among the groups gnomAD compares: South Asian, 0.041%; no homozygotes.

Submissions (2):

Labcorp Genetics (formerly Invitae), Labcorp
Classification: Uncertain significance for Autosomal recessive limb-girdle muscular dystrophy type 2Q; Epidermolysis bullosa simplex, Ogna type; Epidermolysis bullosa simplex with nail dystrophy; Epidermolysis bullosa simplex 5C, with pyloric atresia; Epidermolysis bullosa simplex 5B, with muscular dystrophy. Last evaluated: 2025-07-03. Review status: criteria provided, single submitter. Criteria: Invitae Variant Classification Sherloc (09022015). Collection method: clinical testing. Allele origin: germline.
Comment: This sequence change replaces arginine, which is basic and polar, with glutamine, which is neutral and polar, at codon 2657 of the PLEC protein (p.Arg2657Gln). This variant is present in population databases (rs377016819, gnomAD 0.05%). This variant has not been reported in the literature in individuals affected with PLEC-related conditions. ClinVar contains an entry for this variant (Variation ID: 649837). An algorithm developed to predict the effect of missense changes on protein structure and function outputs the following: PolyPhen-2: "Benign". The glutamine amino acid residue is found in multiple mammalian species, which suggests that this missense change does not adversely affect protein function. In summary, the available evidence is currently insufficient to determine the role of this variant in disease. Therefore, it has been classified as a Variant of Uncertain Significance.

Ambry Genetics
Classification: Uncertain significance for Inborn genetic diseases. Last evaluated: 2022-06-09. Review status: criteria provided, single submitter. Criteria: Ambry Variant Classification Scheme 2023. Collection method: clinical testing. Allele origin: germline.

NM_201384.3(PLEC):c.7889G>A (p.Arg2630Gln)

Gene: PLEC (plectin; minus strand). Cytogenetic location: 8q24.3.
Variant type: single nucleotide variant.
Coding change: c.7889G>A on transcript NM_201384.3 (MANE Select); coding-DNA position 7889, G replaced by A.
Protein change: p.Arg2630Gln; replaces arginine 2630 with glutamine.
Molecular consequence: missense variant.
Genome position (GRCh38, 1-based): chr8:143,921,932, C>T on the plus strand (G>A on the coding strand, the complement: PLEC is on the minus strand). VCF-style: chr8-143921932-C-T. GRCh37 (hg19) VCF-style: chr8-144996100-C-T.
Other names: c.7970G>A (NM_000445.3); c.7970G>A, p.Arg2657Gln (NM_000445.5); c.7847G>A, p.Arg2616Gln (NM_201378.4); c.7823G>A, p.Arg2608Gln (NM_201379.3); c.8300G>A, p.Arg2767Gln (NM_201380.4); c.7793G>A, p.Arg2598Gln (NM_201381.3); c.7889G>A, p.Arg2630Gln (NM_201382.4); c.7901G>A, p.Arg2634Gln (NM_201383.3); short protein forms R2598Q, R2634Q, R2616Q, R2630Q, R2767Q, R2608Q, R2657Q.
Identifiers: ClinVar variation 649837 (VCV000649837.7), dbSNP rs377016819, ClinGen allele CA4925487.